The following is an entry in ClinVar:

ClinVar aggregate classification (germline): Likely pathogenic (1 of 4 stars; one submission).

Conditions:
Developmental and epileptic encephalopathy 94 (DEE94). Also called: Epileptic encephalopathy, childhood-onset; CHD2-Related Neurodevelopmental Disorders. Identifiers: Orphanet 1942, Orphanet 2382, MedGen C3809278, MONDO:0014150, OMIM 615369.

Submission:

Genomics, Clalit Research Institute, Clalit Health Care
Classification: Likely pathogenic for Developmental and epileptic encephalopathy 94. Last evaluated: 2024-06-16. Review status: criteria provided, single submitter. Criteria: ACMG Guidelines, 2015. Collection method: clinical testing. Allele origin: germline. Inheritance: Autosomal dominant inheritance. Affected: yes. Observed: 1 heterozygote.
Comment: Frequency: The variant is absent from the gnomAD reference population dataset. Prediction tools: REVEL predicts a deleterious effect on the gene or gene product (score 0.81). Variant type: Different amino acid change as a known pathogenic variant (p.Tyr1143Asp). Variant type: Missense variant in a gene with low rate of benign missense mutations and for which missense mutation is a common mechanism of a disease Clinical evidence: To date, the variant has not been described by reputable sources or in the primary literature. (pm2_support, pp2, pm5, pp3_modarate)

NM_001271.4(CHD2):c.3428A>G (p.Tyr1143Cys)

Gene: CHD2 (chromodomain helicase DNA binding protein 2; plus strand). Cytogenetic location: 15q26.1.
Variant type: single nucleotide variant.
Coding change: c.3428A>G on transcript NM_001271.4 (MANE Select); coding-DNA position 3428, A replaced by G.
Protein change: p.Tyr1143Cys; replaces tyrosine 1143 with cysteine.
Molecular consequence: missense variant.
Genome position (GRCh38, 1-based): chr15:92,991,490, A>G. VCF-style: chr15-92991490-A-G. GRCh37 (hg19) VCF-style: chr15-93534720-A-G.
Other names: short protein forms Y1143C.
Identifiers: ClinVar variation 3242411 (VCV003242411.2), dbSNP rs2505576945.
Genomic context (GRCh38, chr15:92,991,490, plus strand): 5'-AGTAAGTCTCTGTTTTTTTAATATGTTTTATTGATCCTATTCTTAGGTTCATCAAGGCTT[A>G]TAAGAAGTTTGGTCTCCCTCTTGAACGGTAAGTTCAGTGTAATAGTCCCTTATCTTCCTC-3'
Protein context (NP_001262.3, residues 1133-1153): DAEIRRFIKA[Tyr1143Cys]KKFGLPLERL